The following is an entry in ClinVar:

ClinVar aggregate classification (germline): Uncertain significance (1 of 4 stars; one submission).

Submission:

Labcorp Genetics (formerly Invitae), Labcorp
Classification: Uncertain significance. Last evaluated: 2025-07-23. Review status: criteria provided, single submitter. Criteria: Invitae Variant Classification Sherloc (09022015). Collection method: clinical testing. Allele origin: germline.
Comment: This sequence change replaces threonine, which is neutral and polar, with isoleucine, which is neutral and non-polar, at codon 3716 of the ZNF469 protein (p.Thr3716Ile). This variant is not present in population databases (gnomAD no frequency). This variant has not been reported in the literature in individuals affected with ZNF469-related conditions. An algorithm developed to predict the effect of missense changes on protein structure and function (PolyPhen-2) suggests that this variant is likely to be disruptive. In summary, the available evidence is currently insufficient to determine the role of this variant in disease. Therefore, it has been classified as a Variant of Uncertain Significance.

NM_001367624.2(ZNF469):c.11231C>T (p.Thr3744Ile)

Gene: ZNF469 (zinc finger protein 469; plus strand). Cytogenetic location: 16q24.2.
Variant type: single nucleotide variant.
Coding change: c.11231C>T on transcript NM_001367624.2 (MANE Select); coding-DNA position 11231, C replaced by T.
Protein change: p.Thr3744Ile; replaces threonine 3744 with isoleucine.
Molecular consequence: missense variant.
Genome position (GRCh38, 1-based): chr16:88,438,701, C>T. VCF-style: chr16-88438701-C-T. GRCh37 (hg19) VCF-style: chr16-88505109-C-T.
Other names: short protein forms T3744I.
Identifiers: ClinVar variation 4723914 (VCV004723914.1).